The following is an entry in ClinVar:

ClinVar aggregate classification (germline): Likely pathogenic. Review status: criteria provided, single submitter (1 of 4 stars). 2 submissions from 2 submitters: Likely pathogenic (1). 1 of the submissions does not count toward it. Last evaluated 2023-05-15.

Conditions:
Usher syndrome type 2A. Also called: RETINAL DISEASE IN USHER SYNDROME TYPE IIA, MODIFIER OF; USHER SYNDROME, TYPE IIA. Identifiers: Orphanet 231178, Orphanet 886, MedGen C1848634, MONDO:0010169, OMIM 276901.

Submissions (2):

Labcorp Genetics (formerly Invitae), Labcorp
Classification: Likely pathogenic. Last evaluated: 2023-05-15. Review status: criteria provided, single submitter. Criteria: Invitae Variant Classification Sherloc (09022015). Collection method: clinical testing. Allele origin: germline.
Comment: This variant is not present in population databases (gnomAD no frequency). This sequence change affects a donor splice site in intron 5 of the USH2A gene. It is expected to disrupt RNA splicing. Variants that disrupt the donor or acceptor splice site typically lead to a loss of protein function (PMID: 16199547), and loss-of-function variants in USH2A are known to be pathogenic (PMID: 10729113, 10909849, 20507924, 25649381). In summary, the currently available evidence indicates that the variant is pathogenic, but additional data are needed to prove that conclusively. Therefore, this variant has been classified as Likely Pathogenic. Algorithms developed to predict the effect of sequence changes on RNA splicing suggest that this variant may disrupt the consensus splice site. ClinVar contains an entry for this variant (Variation ID: 1068125). This variant has not been reported in the literature in individuals affected with USH2A-related conditions.

Natera, Inc.
Classification: Likely pathogenic for Usher syndrome type 2A. Last evaluated: 2021-06-23. Review status: no assertion criteria provided. Collection method: clinical testing. Allele origin: germline. Not counted in ClinVar's aggregate classification.

Literature cited by the submitters: PubMed 16199547 (cited by Labcorp Genetics (formerly Invitae), Labcorp); PubMed 10729113 (cited by Labcorp Genetics (formerly Invitae), Labcorp); PubMed 10909849 (cited by Labcorp Genetics (formerly Invitae), Labcorp); PubMed 20507924 (cited by Labcorp Genetics (formerly Invitae), Labcorp); PubMed 25649381 (cited by Labcorp Genetics (formerly Invitae), Labcorp).

NM_206933.4(USH2A):c.848+2T>C

Gene: USH2A (usherin; minus strand). Cytogenetic location: 1q41.
Variant type: single nucleotide variant.
Coding change: c.848+2T>C on transcript NM_206933.4 (MANE Select); the canonical splice donor site of the intron after coding-DNA position 848, T replaced by C.
Molecular consequence: splice donor variant.
Genome position (GRCh38, 1-based): chr1:216,327,589, A>G on the plus strand (T>C on the coding strand, the complement: USH2A is on the minus strand). VCF-style: chr1-216327589-A-G. GRCh37 (hg19) VCF-style: chr1-216500931-A-G.
Other names: c.848+2T>C (NM_007123.6).
Identifiers: ClinVar variation 1068125 (VCV001068125.8), dbSNP rs2102658759, ClinGen allele CA344912794.
Genomic context (GRCh38, chr1:216,327,589, plus strand): 5'-TTTAAGTGAATTCAGCATTTATCCTTTCGGTTCTTGAGGTTTACAATGCAACATCTGCTT[A>G]CCTGTTTGTAAGTGCCACTTGGTATAATCGAAAATCTTGCATTCTTCCGACAAACTGCTC-3'